The following is an entry in ClinVar:

ClinVar aggregate classification (germline): Benign (1 of 4 stars; one submission).

Allele frequency attached by ClinVar (database versions not stated): 1000 Genomes Project 30x 0.65397; 1000 Genomes Project 0.65555; TOPMed 0.71489; gnomAD 0.72110 and 0.72220.
gnomAD v4.1: 109,812 of 152,124 alleles (72%); highest among the groups gnomAD compares: Non-Finnish European, 81%; 40,442 homozygotes.

Submission:

GeneDx
Classification: Benign. Last evaluated: 2018-06-14. Review status: criteria provided, single submitter. Criteria: GeneDx Variant Classification (06012015). Collection method: clinical testing. Allele origin: germline. Affected: yes.
Comment: This variant is considered likely benign or benign based on one or more of the following criteria: it is a conservative change, it occurs at a poorly conserved position in the protein, it is predicted to be benign by multiple in silico algorithms, and/or has population frequency not consistent with disease.

NM_024678.6(NARS2):c.690-165G>A

Gene: NARS2 (asparaginyl-tRNA synthetase 2, mitochondrial; minus strand). Cytogenetic location: 11q14.1.
Variant type: single nucleotide variant.
Coding change: c.690-165G>A on transcript NM_024678.6 (MANE Select); 165 bases into the intron before coding-DNA position 690, G replaced by A.
Molecular consequence: intron variant.
Genome position (GRCh38, 1-based): chr11:78,493,360, C>T on the plus strand (G>A on the coding strand, the complement: NARS2 is on the minus strand). VCF-style: chr11-78493360-C-T. GRCh37 (hg19) VCF-style: chr11-78204406-C-T.
Other names: c.9-165G>A (NM_001243251.2).
Identifiers: ClinVar variation 667638 (VCV000667638.1), dbSNP rs4474466, ClinGen allele CA13547462.
Genomic context (GRCh38, chr11:78,493,360, plus strand): 5'-GTCTTGTCCACAGACTGACACATATTTGCTGCTACATATTTCTCTAATAGGTGATAATAA[C>T]AGTTTCATTAAAAATGTTACATTGAGGCTGGGCACAGTGGCTCAGGTCTGTAATCCTAGC-3'